The following is an entry in ClinVar:

ClinVar aggregate classification (germline): Uncertain significance (1 of 4 stars; one submission).

Submission:

GeneDx
Classification: Uncertain significance. Last evaluated: 2022-04-26. Review status: criteria provided, single submitter. Criteria: GeneDx Variant Classification Process June 2021. Collection method: clinical testing. Allele origin: germline. Affected: yes.
Comment: Not observed at significant frequency in large population cohorts (gnomAD); In silico analysis supports that this missense variant has a deleterious effect on protein structure/function; Has not been previously published as pathogenic or benign to our knowledge

NM_005273.4(GNB2):c.691G>A (p.Ala231Thr)

Gene: GNB2 (G protein subunit beta 2; plus strand). Cytogenetic location: 7q22.1.
Variant type: single nucleotide variant.
Coding change: c.691G>A on transcript NM_005273.4 (MANE Select); coding-DNA position 691, G replaced by A.
Protein change: p.Ala231Thr; replaces alanine 231 with threonine.
Molecular consequence: missense variant.
Genome position (GRCh38, 1-based): chr7:100,678,291, G>A. VCF-style: chr7-100678291-G-A. GRCh37 (hg19) VCF-style: chr7-100275914-G-A.
Other names: short protein forms A231T.
Identifiers: ClinVar variation 1712783 (VCV001712783.2), dbSNP rs2486200428, ClinGen allele CA368518223.